The following is an entry in ClinVar:

ClinVar aggregate classification (germline): Conflicting classifications of pathogenicity. Review status: criteria provided, conflicting classifications (1 of 4 stars). 2 submissions from 2 submitters: Uncertain significance (1); Likely benign (1). Last evaluated 2023-03-22.

Allele frequency attached by ClinVar (database versions not stated): TOPMed below 0.00001; gnomAD exomes 0.00001.
gnomAD v4.1: 41 of 1,614,094 alleles (0.0025%); highest among the groups gnomAD compares: Middle Eastern, 0.016%; no homozygotes.

Submissions (2):

Blueprint Genetics
Classification: Likely benign. Last evaluated: 2023-03-22. Review status: criteria provided, single submitter. Criteria: ACMG Guidelines, 2015. Collection method: clinical testing. Allele origin: germline.

Labcorp Genetics (formerly Invitae), Labcorp
Classification: Uncertain significance. Last evaluated: 2022-08-31. Review status: criteria provided, single submitter. Criteria: Invitae Variant Classification Sherloc (09022015). Collection method: clinical testing. Allele origin: germline.
Comment: This sequence change replaces glycine, which is neutral and non-polar, with arginine, which is basic and polar, at codon 460 of the GNPAT protein (p.Gly460Arg). This variant is present in population databases (no rsID available, gnomAD 0.003%). This variant has not been reported in the literature in individuals affected with GNPAT-related conditions. ClinVar contains an entry for this variant (Variation ID: 1042614). Algorithms developed to predict the effect of missense changes on protein structure and function output the following: SIFT: "Tolerated"; PolyPhen-2: "Benign"; Align-GVGD: "Class C0". The arginine amino acid residue is found in multiple mammalian species, which suggests that this missense change does not adversely affect protein function. In summary, the available evidence is currently insufficient to determine the role of this variant in disease. Therefore, it has been classified as a Variant of Uncertain Significance.

NM_014236.4(GNPAT):c.1378G>A (p.Gly460Arg)

Gene: GNPAT (glyceronephosphate O-acyltransferase; plus strand). Cytogenetic location: 1q42.2.
Variant type: single nucleotide variant.
Coding change: c.1378G>A on transcript NM_014236.4 (MANE Select); coding-DNA position 1378, G replaced by A.
Protein change: p.Gly460Arg; replaces glycine 460 with arginine.
Molecular consequence: missense variant.
Genome position (GRCh38, 1-based): chr1:231,270,856, G>A. VCF-style: chr1-231270856-G-A. GRCh37 (hg19) VCF-style: chr1-231406602-G-A.
Other names: c.1195G>A, p.Gly399Arg (NM_001316350.2); short protein forms G399R, G460R.
Identifiers: ClinVar variation 1042614 (VCV001042614.3), dbSNP rs1313619231, ClinGen allele CA345237178.
Genomic context (GRCh38, chr1:231,270,856, plus strand): 5'-CTTCTGCATTCCAACATTGCCAGCCTTGTCAAAGACCAGGTGATTCTGAAAGTGGACTCC[G>A]GAGACTCGGAAGTGGTCGATGGGCTTATGCTCCAGCACATCACTCTCCTCATGTGCTCAG-3'
Protein context (NP_055051.1, residues 450-470): KDQVILKVDS[Gly460Arg]DSEVVDGLML